The following is an entry in ClinVar:

ClinVar aggregate classification (germline): Uncertain significance (1 of 4 stars; one submission).

Allele frequency attached by ClinVar (database versions not stated): TOPMed 0.00002.

Submission:

Labcorp Genetics (formerly Invitae), Labcorp
Classification: Uncertain significance. Last evaluated: 2023-11-20. Review status: criteria provided, single submitter. Criteria: Invitae Variant Classification Sherloc (09022015). Collection method: clinical testing. Allele origin: germline.
Comment: This sequence change replaces glutamine, which is neutral and polar, with histidine, which is basic and polar, at codon 668 of the WFS1 protein (p.Gln668His). This variant is not present in population databases (gnomAD no frequency). This variant has not been reported in the literature in individuals affected with WFS1-related conditions. ClinVar contains an entry for this variant (Variation ID: 1385963). Advanced modeling of protein sequence and biophysical properties (such as structural, functional, and spatial information, amino acid conservation, physicochemical variation, residue mobility, and thermodynamic stability) has been performed at Invitae for this missense variant, however the output from this modeling did not meet the statistical confidence thresholds required to predict the impact of this variant on WFS1 protein function. In summary, the available evidence is currently insufficient to determine the role of this variant in disease. Therefore, it has been classified as a Variant of Uncertain Significance.

NM_006005.3(WFS1):c.2004G>C (p.Gln668His)

Gene: WFS1 (wolframin ER transmembrane glycoprotein; plus strand). Cytogenetic location: 4p16.1.
Variant type: single nucleotide variant.
Coding change: c.2004G>C on transcript NM_006005.3 (MANE Select); coding-DNA position 2004, G replaced by C.
Protein change: p.Gln668His; replaces glutamine 668 with histidine.
Molecular consequence: missense variant.
Genome position (GRCh38, 1-based): chr4:6,301,799, G>C. VCF-style: chr4-6301799-G-C. GRCh37 (hg19) VCF-style: chr4-6303526-G-C.
Other names: c.2004G>C, p.Gln668His (NM_001145853.1); short protein forms Q668H.
Identifiers: ClinVar variation 1385963 (VCV001385963.8), dbSNP rs1730933976, ClinGen allele CA356177268.